The following is an entry in ClinVar:

NM_001165963.4(SCN1A):c.4319C>T (p.Ala1440Val)

Genes: SCN1A (sodium voltage-gated channel alpha subunit 1; minus strand), LOC102724058 (uncharacterized LOC102724058; plus strand). Cytogenetic location: 2q24.3.
Variant type: single nucleotide variant.
Coding change: c.4319C>T on transcript NM_001165963.4 (MANE Select); coding-DNA position 4319, C replaced by T.
Protein change: p.Ala1440Val; replaces alanine 1440 with valine.
Molecular consequence: missense variant. On other transcripts: non-coding transcript variant (1).
Genome position (GRCh38, 1-based): chr2:165,999,742, G>A on the plus strand (C>T on the coding strand, the complement: SCN1A is on the minus strand). VCF-style: chr2-165999742-G-A. GRCh37 (hg19) VCF-style: chr2-166856252-G-A.
Other names: c.4235C>T, p.Ala1412Val (NM_001165964.3, NM_001353957.2, NM_001353958.2); c.4319C>T, p.Ala1440Val (NM_001202435.3, NM_001353948.2); c.4286C>T, p.Ala1429Val (NM_001353949.2, NM_001353950.2, NM_001353951.2 and 2 more transcripts); c.4283C>T, p.Ala1428Val (NM_001353954.2, NM_001353955.2); c.4232C>T, p.Ala1411Val (NM_001353960.2); c.1877C>T, p.Ala626Val (NM_001353961.2); short protein forms A1429V, A1440V, A1428V, A1411V, A626V, A1412V.
Identifiers: ClinVar variation 574737 (VCV000574737.16), dbSNP rs1559122124, ClinGen allele CA349049565.

ClinVar aggregate classification (germline): Conflicting classifications of pathogenicity. Review status: criteria provided, conflicting classifications (1 of 4 stars). 3 submissions from 3 submitters: Pathogenic (2); Uncertain significance (1). Last evaluated 2025-01-14.

Conditions:
Severe myoclonic epilepsy in infancy (DRVT). Also called: Severe Myoclonic Epilepsy in Infancy (SMEI); SEVERE MYOCLONIC EPILEPSY OF INFANCY; DEVELOPMENTAL AND EPILEPTIC ENCEPHALOPATHY 6A; Dravet syndrome; Epileptic encephalopathy, early infantile, 6 (Dravet syndrome). Identifiers: Orphanet 33069, MedGen C0751122, MONDO:0100135, OMIM 607208.
Acute encephalopathy. Identifiers: MedGen C1306587, HP:0006846.
Early-infantile DEE. Also called: Early infantile epileptic encephalopathy; Ohtahara syndrome; Early infantile epileptic encephalopathy with suppression bursts. Identifiers: Orphanet 1934, MedGen C0393706, MONDO:0800491.

Submissions (3):

GeneDx
Classification: Uncertain significance. Last evaluated: 2025-01-14. Review status: criteria provided, single submitter. Criteria: GeneDx Variant Classification Process June 2021. Collection method: clinical testing. Allele origin: germline. Affected: yes.
Comment: Reported previously in a postmortem case of a patient with autism spectrum disorder, mild intellectual disability, hyperlexia, and febrile seizures since infancy that progressed with age (PMID: 26637798); In silico analysis supports that this missense variant has a deleterious effect on protein structure/function; Not observed at significant frequency in large population cohorts (gnomAD); This variant is associated with the following publications: (PMID: 35205252, 39200163, 34917021, 35120772, 33674996, 26637798, 31864146)

Labcorp Genetics (formerly Invitae), Labcorp
Classification: Pathogenic for Early-infantile DEE. Last evaluated: 2022-07-18. Review status: criteria provided, single submitter. Criteria: Invitae Variant Classification Sherloc (09022015). Collection method: clinical testing. Allele origin: germline.
Comment: For these reasons, this variant has been classified as Pathogenic. Advanced modeling of protein sequence and biophysical properties (such as structural, functional, and spatial information, amino acid conservation, physicochemical variation, residue mobility, and thermodynamic stability) performed at Invitae indicates that this missense variant is expected to disrupt SCN1A protein function. ClinVar contains an entry for this variant (Variation ID: 574737). This missense change has been observed in individual(s) with Dravet syndrome (PMID: 31864146, 33674996). In at least one individual the variant was observed to be de novo. This variant is not present in population databases (gnomAD no frequency). This sequence change replaces alanine, which is neutral and non-polar, with valine, which is neutral and non-polar, at codon 1440 of the SCN1A protein (p.Ala1440Val).

Research Center for Genetics and Reproductive Health, Viet Nam National University HCMC
Classification: Pathogenic for Dravet syndrome; Acute encephalopathy. Last evaluated: 2020-08-01. Review status: criteria provided, single submitter. Criteria: ACMG Guidelines, 2015. Collection method: research. Allele origin: de novo. Inheritance: Autosomal dominant inheritance. Affected: yes. Observed: 1 homozygote.
Comment: This homozygous mutation is located in the pore-forming region (DIIIS5-S6), one of the critical functional domains of the Nav1.1 protein. In silico analysis using annotation tools including Polyphen-2, SIFT, and PROVEAN predicted the mutation to be probably damaging, damaging, and deleterious, respectively. Further analysis showed that this mutation was absent from 1000 Genomes Project database , Exome Variant Server database, and Genome Aggregation Database. Using the ACMG Standards and Guidelines 2015, this mutation was classified as "Pathogenic" (PS2, PM1, PM2, PP2, PP3 criteria applied). In addition, another amino acid change at the same position (p.[ala1440glu]) was also reported in a DS patient (Gaily et al., 2013).

Literature cited by the submitters: PubMed 31864146 (cited by Labcorp Genetics (formerly Invitae), Labcorp); PubMed 33674996 (cited by Labcorp Genetics (formerly Invitae), Labcorp).